The following is an entry in ClinVar:

NM_153460.4(IL17RC):c.1442C>A (p.Ala481Glu)

Gene: IL17RC (interleukin 17 receptor C; plus strand). Cytogenetic location: 3p25.3.
Variant type: single nucleotide variant.
Coding change: c.1442C>A on transcript NM_153460.4 (MANE Select); coding-DNA position 1442, C replaced by A.
Protein change: p.Ala481Glu; replaces alanine 481 with glutamic acid.
Molecular consequence: missense variant. On other transcripts: non-coding transcript variant (1).
Genome position (GRCh38, 1-based): chr3:9,932,662, C>A. VCF-style: chr3-9932662-C-A. GRCh37 (hg19) VCF-style: chr3-9974346-C-A.
Other names: c.1442C>A, p.Ala481Glu (NM_001203263.2); c.1391C>A, p.Ala464Glu (NM_001203264.2); c.1346C>A, p.Ala449Glu (NM_001203265.2, NM_001410711.1); c.1403C>A, p.Ala468Glu (NM_001367278.1); c.1322C>A, p.Ala441Glu (NM_001367279.1); c.1397C>A, p.Ala466Glu (NM_001367280.1, NM_032732.6); c.1655C>A, p.Ala552Glu (NM_153461.4); short protein forms A449E, A441E, A464E, A468E, A552E, A466E, A481E.
Identifiers: ClinVar variation 2841652 (VCV002841652.3), dbSNP rs762968895, ClinGen allele CA351702910.

ClinVar aggregate classification (germline): Uncertain significance (1 of 4 stars; one submission).

Conditions:
Candidiasis, familial, 9 (CANDF9). Identifiers: Orphanet 1334, MedGen C4225324, MONDO:0014642, OMIM 616445.

Submission:

Labcorp Genetics (formerly Invitae), Labcorp
Classification: Uncertain significance for Candidiasis, familial, 9. Last evaluated: 2026-01-11. Review status: criteria provided, single submitter. Criteria: Invitae Variant Classification Sherloc (09022015). Collection method: clinical testing. Allele origin: germline.
Comment: This sequence change replaces alanine, which is neutral and non-polar, with glutamic acid, which is acidic and polar, at codon 552 of the IL17RC protein (p.Ala552Glu). This variant is not present in population databases (gnomAD no frequency). This variant has not been reported in the literature in individuals affected with IL17RC-related conditions. ClinVar contains an entry for this variant (Variation ID: 2841652). An algorithm developed to predict the effect of missense changes on protein structure and function (PolyPhen-2) suggests that this variant is likely to be disruptive. In summary, the available evidence is currently insufficient to determine the role of this variant in disease. Therefore, it has been classified as a Variant of Uncertain Significance.